The following is an entry in ClinVar:

ClinVar aggregate classification (germline): Uncertain significance (1 of 4 stars; one submission).

gnomAD v4.1: 5 of 1,614,246 alleles (0.00031%); highest among the groups gnomAD compares: East Asian, 0.0022%; no homozygotes.

Submission:

Labcorp Genetics (formerly Invitae), Labcorp
Classification: Uncertain significance. Last evaluated: 2026-01-03. Review status: criteria provided, single submitter. Criteria: Invitae Variant Classification Sherloc (09022015). Collection method: clinical testing. Allele origin: germline.
Comment: This sequence change replaces methionine, which is neutral and non-polar, with valine, which is neutral and non-polar, at codon 479 of the KLHL9 protein (p.Met479Val). This variant is not present in population databases (gnomAD no frequency). This variant has not been reported in the literature in individuals affected with KLHL9-related conditions. Invitae Evidence Modeling of protein sequence and biophysical properties (such as structural, functional, and spatial information, amino acid conservation, physicochemical variation, residue mobility, and thermodynamic stability) indicates that this missense variant is expected to disrupt KLHL9 protein function with a positive predictive value of 80%. In summary, the available evidence is currently insufficient to determine the role of this variant in disease. Therefore, it has been classified as a Variant of Uncertain Significance.

NM_018847.4(KLHL9):c.1435A>G (p.Met479Val)

Gene: KLHL9 (kelch like family member 9; minus strand). Cytogenetic location: 9p21.3.
Variant type: single nucleotide variant.
Coding change: c.1435A>G on transcript NM_018847.4 (MANE Select); coding-DNA position 1435, A replaced by G.
Protein change: p.Met479Val; replaces methionine 479 with valine.
Molecular consequence: missense variant.
Genome position (GRCh38, 1-based): chr9:21,333,425, T>C on the plus strand (A>G on the coding strand, the complement: KLHL9 is on the minus strand). VCF-style: chr9-21333425-T-C. GRCh37 (hg19) VCF-style: chr9-21333424-T-C.
Other names: short protein forms M479V.
Identifiers: ClinVar variation 4808385 (VCV004808385.1).